The following is an entry in ClinVar:

ClinVar aggregate classification (germline): Pathogenic (1 of 4 stars; one submission).

Conditions:
Werner syndrome (WRN). Identifiers: Orphanet 902, MedGen C0043119, MONDO:0010196, OMIM 277700.

Submission:

Labcorp Genetics (formerly Invitae), Labcorp
Classification: Pathogenic for Werner syndrome. Last evaluated: 2025-11-17. Review status: criteria provided, single submitter. Criteria: Invitae Variant Classification Sherloc (09022015). Collection method: clinical testing. Allele origin: germline.
Comment: This sequence change creates a premature translational stop signal (p.Asn1226Valfs*21) in the WRN gene. It is expected to result in an absent or disrupted protein product. Loss-of-function variants in WRN are known to be pathogenic (PMID: 16673358). This variant is not present in population databases (gnomAD no frequency). This variant has not been reported in the literature in individuals affected with WRN-related conditions. ClinVar contains an entry for this variant (Variation ID: 851232). For these reasons, this variant has been classified as Pathogenic.

Literature cited by the submitters: PubMed 16673358.

NM_000553.6(WRN):c.3676_3679del (p.Asn1226fs)

Gene: WRN (WRN RecQ like helicase; plus strand). Cytogenetic location: 8p12.
Variant type: Deletion.
Coding change: c.3676_3679del on transcript NM_000553.6 (MANE Select); coding-DNA positions 3676 to 3679, 4 bases deleted (AATA; older notation c.3676_3679delAATA).
Protein change: p.Asn1226fs; shifts the reading frame from asparagine 1226.
Molecular consequence: frameshift variant.
Genome position (GRCh38, 1-based): chr8:31,150,444-31,150,447, AATA deleted; deleting any 4 consecutive bases within chr8:31,150,443-31,150,447 gives the same sequence; the c. name uses the placement nearest the transcript's 3' end. VCF-style (leftmost placement, unchanged base first): chr8-31150442-CAAAT-C. GRCh37 (hg19) VCF-style: chr8-31007958-CAAAT-C.
Other names: short protein forms N1226fs.
Identifiers: ClinVar variation 851232 (VCV000851232.6), dbSNP rs1803078438, ClinGen allele CA916081505.